The following is an entry in ClinVar:

NM_007186.6(CEP250):c.6871C>T (p.Arg2291Cys)

Gene: CEP250 (centrosomal protein 250; plus strand). Cytogenetic location: 20q11.22.
Variant type: single nucleotide variant.
Coding change: c.6871C>T on transcript NM_007186.6 (MANE Select); coding-DNA position 6871, C replaced by T.
Protein change: p.Arg2291Cys; replaces arginine 2291 with cysteine.
Molecular consequence: missense variant.
Genome position (GRCh38, 1-based): chr20:35,508,155, C>T. VCF-style: chr20-35508155-C-T. GRCh37 (hg19) VCF-style: chr20-34095984-C-T.
Other names: c.4975C>T, p.Arg1659Cys (NM_001318219.1); c.6871C>T (NM_007186.3); short protein forms R2291C, R1659C.
Identifiers: ClinVar variation 1444259 (VCV001444259.5), dbSNP rs772146999, ClinGen allele CA9834171.
Genomic context (GRCh38, chr20:35,508,155, plus strand): 5'-AGGCTTGAACACCTGCAGCAAGCAGTGGCCCGGCTGGAGATTGACAGGAGCAGGCTGCAG[C>T]GCCACAATGTCCAGCTGCGGAGTACCTTGGAGCAGGTGACCCCTCTTCTTGTCCAGTGGG-3'
Protein context (NP_009117.2, residues 2281-2301): RLEIDRSRLQ[Arg2291Cys]HNVQLRSTLE

ClinVar aggregate classification (germline): Uncertain significance. Review status: criteria provided, multiple submitters, no conflicts (2 of 4 stars). 2 submissions from 2 submitters: Uncertain significance (2). Last evaluated 2026-09-11.

Allele frequency attached by ClinVar (database versions not stated): TOPMed 0.00004; ExAC 0.00004; gnomAD exomes 0.00004 and 0.00005.
gnomAD v4.1: 66 of 1,614,048 alleles (0.0041%); highest among the groups gnomAD compares: East Asian, 0.11%; no homozygotes.

Submissions (2):

Ambry Genetics
Classification: Uncertain significance. Last evaluated: 2026-09-11. Review status: criteria provided, single submitter. Criteria: Ambry Variant Classification Scheme 2023. Collection method: clinical testing. Allele origin: germline.

Labcorp Genetics (formerly Invitae), Labcorp
Classification: Uncertain significance. Last evaluated: 2022-09-27. Review status: criteria provided, single submitter. Criteria: Invitae Variant Classification Sherloc (09022015). Collection method: clinical testing. Allele origin: germline.
Comment: This sequence change replaces arginine, which is basic and polar, with cysteine, which is neutral and slightly polar, at codon 2291 of the CEP250 protein (p.Arg2291Cys). This variant is present in population databases (rs772146999, gnomAD 0.05%). This variant has not been reported in the literature in individuals affected with CEP250-related conditions. ClinVar contains an entry for this variant (Variation ID: 1444259). Algorithms developed to predict the effect of missense changes on protein structure and function output the following: SIFT: "Not Available"; PolyPhen-2: "Benign"; Align-GVGD: "Not Available". The cysteine amino acid residue is found in multiple mammalian species, which suggests that this missense change does not adversely affect protein function. In summary, the available evidence is currently insufficient to determine the role of this variant in disease. Therefore, it has been classified as a Variant of Uncertain Significance.